The following is an entry in ClinVar:

ClinVar aggregate classification (germline): Conflicting classifications of pathogenicity. Review status: criteria provided, conflicting classifications (1 of 4 stars). 2 submissions from 2 submitters: Pathogenic (1); Uncertain significance (1). Last evaluated 2025-07-31.

Conditions:
Hereditary cancer-predisposing syndrome. Also called: Hereditary neoplastic syndrome; Neoplastic Syndromes, Hereditary; Hereditary Cancer Syndrome; Tumor predisposition. Identifiers: Orphanet 140162, MedGen C0027672, MeSH D009386, MONDO:0015356.

Submissions (2):

Ambry Genetics
Classification: Uncertain significance for Hereditary cancer-predisposing syndrome. Last evaluated: 2025-07-31. Review status: criteria provided, single submitter. Criteria: Ambry Variant Classification Scheme 2023. Collection method: clinical testing. Allele origin: germline.
Comment: The c.5323delG variant, located in coding exon 39 of the POLE gene, results from a deletion of one nucleotide at nucleotide position 5323, causing a translational frameshift with a predicted alternate stop codon (p.A1775Lfs*21). This alteration is expected to result in loss of function by premature protein truncation or nonsense-mediated mRNA decay. Although biallelic loss of function of POLE has been associated with autosomal recessive POLE deficiency, haploinsufficiency of POLE has not been established as a mechanism of disease for POLE-related polymerase proofreading-associated polyposis (PPAP) and POLE-related CMMRD-like syndrome. Based on the supporting evidence, this variant is expected to be causative of POLE deficiency when present along with a second pathogenic variant on the other allele; however, its clinical significance for PPAP and POLE-related CMMRD-like syndrome is unclear.

Labcorp Genetics (formerly Invitae), Labcorp
Classification: Pathogenic. Last evaluated: 2023-10-27. Review status: criteria provided, single submitter. Criteria: Invitae Variant Classification Sherloc (09022015). Collection method: clinical testing. Allele origin: germline.
Comment: This sequence change creates a premature translational stop signal (p.Ala1775Leufs*21) in the POLE gene. It is expected to result in an absent or disrupted protein product. Loss-of-function variants in POLE are known to be pathogenic (PMID: 23230001, 25948378, 30503519). This variant is not present in population databases (gnomAD no frequency). This variant has not been reported in the literature in individuals affected with POLE-related conditions. For these reasons, this variant has been classified as Pathogenic.

Literature cited by the submitters: PubMed 23230001 (cited by Labcorp Genetics (formerly Invitae), Labcorp); PubMed 25948378 (cited by Labcorp Genetics (formerly Invitae), Labcorp); PubMed 30503519 (cited by Labcorp Genetics (formerly Invitae), Labcorp).

NM_006231.4(POLE):c.5323del (p.Ala1775fs)

Gene: POLE (DNA polymerase epsilon, catalytic subunit; minus strand). Cytogenetic location: 12q24.33.
Variant type: Deletion.
Coding change: c.5323del on transcript NM_006231.4 (MANE Select); coding-DNA position 5323, one base deleted (G; older notation c.5323delG).
Protein change: p.Ala1775fs; shifts the reading frame from alanine 1775.
Molecular consequence: frameshift variant.
Genome position (GRCh38, 1-based): chr12:132,641,702, C deleted on the plus strand (G on the coding strand, the reverse complement: POLE is on the minus strand); the first of 2 consecutive C bases (chr12:132,641,702-132,641,703); deleting either gives the same sequence. VCF-style (leftmost placement, unchanged base first): chr12-132641701-GC-G. GRCh37 (hg19) VCF-style: chr12-133218287-GC-G.
Other names: c.5323delG (NM_006231.2); short protein forms A1775fs.
Identifiers: ClinVar variation 2768596 (VCV002768596.4), dbSNP rs2541880452, ClinGen allele CA2697551572.